The following is an entry in ClinVar:

NM_000218.3(KCNQ1):c.5C>G (p.Ala2Gly)

Gene: KCNQ1 (potassium voltage-gated channel subfamily Q member 1; plus strand). Cytogenetic location: 11p15.5.
Variant type: single nucleotide variant.
Coding change: c.5C>G on transcript NM_000218.3 (MANE Select); coding-DNA position 5, C replaced by G.
Protein change: p.Ala2Gly; replaces alanine 2 with glycine.
Molecular consequence: missense variant.
Genome position (GRCh38, 1-based): chr11:2,445,103, C>G. VCF-style: chr11-2445103-C-G. GRCh37 (hg19) VCF-style: chr11-2466333-C-G.
Identifiers: ClinVar variation 431053 (VCV000431053.3), dbSNP rs199473442, ClinGen allele CA379115683.

ClinVar aggregate classification (germline): Likely pathogenic (1 of 4 stars; one submission).

Conditions:
Long QT syndrome 1 (LQT1). Identifiers: Orphanet 101016, Orphanet 768, MedGen C4551647, MONDO:0100316, OMIM 192500, MONDO:0008646.

Submission:

Biotechnology Research Center, Pasteur Institute of Iran
Classification: Likely pathogenic for Long QT syndrome 1. Last evaluated: 2017-07-27. Review status: criteria provided, single submitter. Criteria: ACMG Guidelines, 2015. Collection method: research. Allele origin: germline. Inheritance: Autosomal recessive inheritance. Affected: yes and no. Observed: 12 variant alleles, 10 heterozygotes, 2 homozygotes. Clinical features observed: Prolonged QT interval, Syncope.
Comment: According to the ACMG standards and guidelines, the following evidences results in the likely pathogenic variant: Not reported in ExAC and 1000G project and in more than 1000 unrelated Iranian individuals (PM2) but known disease mutation at this position (HGMD ID: CM097076, ClinVar ID: 67091) (PM5) Co segregated with the disease in the family (PP1) Missense variants in KCNQ1 gene are a common mechanism of the LQT1 disease (PP2)